The following is an entry in ClinVar:

NM_007294.4(BRCA1):c.4389C>G (p.Tyr1463Ter)

Gene: BRCA1 (BRCA1 DNA repair associated; minus strand). Cytogenetic location: 17q21.31.
Variant type: single nucleotide variant.
Coding change: c.4389C>G on transcript NM_007294.4 (MANE Select); coding-DNA position 4389, C replaced by G.
Protein change: p.Tyr1463Ter; replaces tyrosine 1463 with a stop codon.
Molecular consequence: nonsense. On other transcripts: non-coding transcript variant (1).
Genome position (GRCh38, 1-based): chr17:43,076,583, G>C on the plus strand (C>G on the coding strand, the complement: BRCA1 is on the minus strand). VCF-style: chr17-43076583-G-C. GRCh37 (hg19) VCF-style: chr17-41228600-G-C.
Other names: c.4176C>G, p.Tyr1392Ter (NM_001407571.1, NM_001407896.1, NM_001407897.1 and 12 more transcripts); c.4455C>G, p.Tyr1485Ter (NM_001407581.1, NM_001407582.1); c.4452C>G, p.Tyr1484Ter (NM_001407583.1, NM_001407585.1, NM_001407587.1 and 1 more transcripts); c.4449C>G, p.Tyr1483Ter (NM_001407590.1, NM_001407591.1); c.4389C>G, p.Tyr1463Ter (NM_001407593.1, NM_001407594.1, NM_001407596.1 and 8 more transcripts); c.4386C>G, p.Tyr1462Ter (NM_001407610.1, NM_001407611.1, NM_001407612.1 and 17 more transcripts); c.4383C>G, p.Tyr1461Ter (NM_001407627.1, NM_001407628.1, NM_001407629.1 and 14 more transcripts); c.4380C>G, p.Tyr1460Ter (NM_001407645.1, NM_001407644.1); and 68 more; short protein forms Y1463*, Y1484*, Y359*, Y1416*, Y1334*, Y1336*, Y1396*, Y1414*.
Identifiers: ClinVar variation 142836 (VCV000142836.20), dbSNP rs80356997, ClinGen allele CA002814.

ClinVar aggregate classification (germline): Pathogenic. Review status: reviewed by expert panel (3 of 4 stars). 4 submissions from 4 submitters: Pathogenic (1). 3 of the submissions do not count toward it. Last evaluated 2016-09-08.

Conditions:
Hereditary cancer-predisposing syndrome. Also called: Neoplastic Syndromes, Hereditary; Hereditary Cancer Syndrome; Tumor predisposition; Hereditary neoplastic syndrome. Identifiers: Orphanet 140162, MedGen C0027672, MeSH D009386, MONDO:0015356.
Hereditary breast ovarian cancer syndrome. Also called: Hereditary breast and/or ovarian cancer syndrome; Hereditary breast and ovarian cancer syndrome (HBOC); Hereditary breast and ovarian cancer; Hereditary breast and ovarian cancer syndrome; Breast and ovarian cancer; BRCA1- and BRCA2-Associated Hereditary Breast and Ovarian Cancer. Identifiers: Orphanet 145, MedGen C0677776, MeSH D061325, MONDO:0003582. Disease mechanism: loss of function.
Breast-ovarian cancer, familial, susceptibility to, 1 (BROVCA1). Also called: BRCA1 Hereditary Breast and Ovarian Cancer; OVARIAN CANCER, SUSCEPTIBILITY TO. Identifiers: Orphanet 145, MedGen C2676676, MONDO:0011450, OMIM 604370. Disease mechanism: loss of function.

Submissions (4):

Evidence-based Network for the Interpretation of Germline Mutant Alleles (ENIGMA)
Classification: Pathogenic for Breast-ovarian cancer, familial, susceptibility to, 1. Last evaluated: 2016-09-08. Review status: reviewed by expert panel. Criteria: ENIGMA BRCA1/2 Classification Criteria (2015). Collection method: curation. Allele origin: germline.
Comment: Variant allele predicted to encode a truncated non-functional protein.

Ambry Genetics
Classification: Pathogenic for Hereditary cancer-predisposing syndrome. Last evaluated: 2026-06-27. Review status: criteria provided, single submitter. Criteria: Ambry Variant Classification Scheme 2023. Collection method: clinical testing. Allele origin: germline. Not counted in ClinVar's aggregate classification.
Comment: The p.Y1463* pathogenic mutation (also known as c.4389C>G), located in coding exon 12 of the BRCA1 gene, results from a C to G substitution at nucleotide position 4389. This changes the amino acid from a tyrosine to a stop codon within coding exon 12.This variant is considered to be rare based on population cohorts in the Genome Aggregation Database (gnomAD). This alteration is expected to result in loss of function by premature protein truncation or nonsense-mediated mRNA decay. As such, this alteration is interpreted as a disease-causing mutation.

Labcorp Genetics (formerly Invitae), Labcorp
Classification: Pathogenic for Hereditary breast ovarian cancer syndrome. Last evaluated: 2023-08-11. Review status: criteria provided, single submitter. Criteria: Invitae Variant Classification Sherloc (09022015). Collection method: clinical testing. Allele origin: germline. Not counted in ClinVar's aggregate classification.
Comment: For these reasons, this variant has been classified as Pathogenic. Algorithms developed to predict the effect of sequence changes on RNA splicing suggest that this variant may disrupt the consensus splice site. ClinVar contains an entry for this variant (Variation ID: 142836). This premature translational stop signal has been observed in individual(s) with ovarian cancer (PMID: 30078507). This variant is not present in population databases (gnomAD no frequency). This sequence change creates a premature translational stop signal (p.Tyr1463*) in the BRCA1 gene. It is expected to result in an absent or disrupted protein product. Loss-of-function variants in BRCA1 are known to be pathogenic (PMID: 20104584).

Quest Diagnostics Nichols Institute San Juan Capistrano
Classification: Pathogenic. Last evaluated: 2021-08-16. Review status: criteria provided, single submitter. Criteria: Quest Diagnostics criteria. Collection method: clinical testing. Allele origin: unknown. Not counted in ClinVar's aggregate classification.
Comment: This nonsense variant causes the premature termination of BRCA1 protein synthesis. In addition, it has been reported in symptomatic individuals with breast and/or ovarian cancer in the published literature (PMIDs: 12491487 (2003), 30078507 (2018), and 30982232 (2019)). Based on the available information, this variant is classified as pathogenic.

Literature cited by the submitters: PubMed 30078507 (cited by Labcorp Genetics (formerly Invitae), Labcorp and Quest Diagnostics Nichols Institute San Juan Capistrano); PubMed 20104584 (cited by Labcorp Genetics (formerly Invitae), Labcorp); PubMed 30982232 (cited by Quest Diagnostics Nichols Institute San Juan Capistrano); PubMed 12491487 (cited by Quest Diagnostics Nichols Institute San Juan Capistrano).